The following is an entry in ClinVar:

ClinVar aggregate classification (germline): Pathogenic (1 of 4 stars; one submission).

Conditions:
Mowat-Wilson syndrome (MOWS). Also called: Classic Mowat-Wilson Syndrome. Identifiers: Orphanet 2152, MedGen C1856113, MONDO:0009341, OMIM 235730.

Submission:

Labcorp Genetics (formerly Invitae), Labcorp
Classification: Pathogenic for Mowat-Wilson syndrome. Last evaluated: 2021-06-17. Review status: criteria provided, single submitter. Criteria: Invitae Variant Classification Sherloc (09022015). Collection method: clinical testing. Allele origin: germline.
Comment: This sequence change creates a premature translational stop signal (p.His259Glnfs*21) in the ZEB2 gene. It is expected to result in an absent or disrupted protein product. Loss-of-function variants in ZEB2 are known to be pathogenic (PMID: 16053902). This variant is not present in population databases (ExAC no frequency). This variant has not been reported in the literature in individuals with ZEB2-related conditions. For these reasons, this variant has been classified as Pathogenic.

Literature cited by the submitters: PubMed 16053902.

NM_014795.4(ZEB2):c.776dup (p.His259fs)

Gene: ZEB2 (zinc finger E-box binding homeobox 2; minus strand). Cytogenetic location: 2q22.3.
Variant type: Duplication.
Coding change: c.776dup on transcript NM_014795.4 (MANE Select); coding-DNA position 776, one base duplicated (A; older notation c.776dupA).
Protein change: p.His259fs; shifts the reading frame from histidine 259.
Molecular consequence: frameshift variant.
Genome position (GRCh38, 1-based): chr2:144,403,947, T duplicated on the plus strand (A on the coding strand, the reverse complement: ZEB2 is on the minus strand). VCF-style (leftmost placement, unchanged base first): chr2-144403946-A-AT. GRCh37 (hg19) VCF-style: chr2-145161513-A-AT.
Other names: c.704dup, p.His235fs (NM_001171653.2); short protein forms H235fs, H259fs.
Identifiers: ClinVar variation 935642 (VCV000935642.7), dbSNP rs1703347063, ClinGen allele CA1139657220.